The following is an entry in ClinVar:

NM_002890.3(RASA1):c.454A>G (p.Thr152Ala)

Gene: RASA1 (RAS p21 protein activator 1; plus strand). Cytogenetic location: 5q14.3.
Variant type: single nucleotide variant.
Coding change: c.454A>G on transcript NM_002890.3 (MANE Select); coding-DNA position 454, A replaced by G.
Protein change: p.Thr152Ala; replaces threonine 152 with alanine.
Molecular consequence: missense variant.
Genome position (GRCh38, 1-based): chr5:87,268,905, A>G. VCF-style: chr5-87268905-A-G. GRCh37 (hg19) VCF-style: chr5-86564722-A-G.
Other names: short protein forms T152A.
Identifiers: ClinVar variation 1396821 (VCV001396821.8), dbSNP rs1753696601, ClinGen allele CA360417418.

ClinVar aggregate classification (germline): Uncertain significance (1 of 4 stars; one submission).

Conditions:
Capillary malformation-arteriovenous malformation syndrome. Also called: Capillary malformation-arteriovenous malformation. Identifiers: Orphanet 137667, MedGen C1842180, MONDO:0012016.

Allele frequency attached by ClinVar (database versions not stated): gnomAD exomes below 0.00001; TOPMed 0.00001.
gnomAD v4.1: 2 of 1,614,124 alleles (0.00012%); highest among the groups gnomAD compares: Non-Finnish European, 0.00017%; no homozygotes.

Submission:

Labcorp Genetics (formerly Invitae), Labcorp
Classification: Uncertain significance for Capillary malformation-arteriovenous malformation syndrome. Last evaluated: 2024-06-29. Review status: criteria provided, single submitter. Criteria: Invitae Variant Classification Sherloc (09022015). Collection method: clinical testing. Allele origin: germline.
Comment: This sequence change replaces threonine, which is neutral and polar, with alanine, which is neutral and non-polar, at codon 152 of the RASA1 protein (p.Thr152Ala). This variant is not present in population databases (gnomAD no frequency). This variant has not been reported in the literature in individuals affected with RASA1-related conditions. ClinVar contains an entry for this variant (Variation ID: 1396821). Algorithms developed to predict the effect of missense changes on protein structure and function output the following: SIFT: "Not Available"; PolyPhen-2: "Benign"; Align-GVGD: "Not Available". The alanine amino acid residue is found in multiple mammalian species, which suggests that this missense change does not adversely affect protein function. In summary, the available evidence is currently insufficient to determine the role of this variant in disease. Therefore, it has been classified as a Variant of Uncertain Significance.